The following is an entry in ClinVar:

ClinVar aggregate classification (germline): Conflicting classifications of pathogenicity. Review status: criteria provided, conflicting classifications (1 of 4 stars). 3 submissions from 3 submitters: Uncertain significance (2); Likely benign (1). Last evaluated 2024-08-22.

Conditions:
Hereditary cancer-predisposing syndrome. Also called: Hereditary neoplastic syndrome; Neoplastic Syndromes, Hereditary; Hereditary Cancer Syndrome; Tumor predisposition. Identifiers: Orphanet 140162, MedGen C0027672, MeSH D009386, MONDO:0015356.
Hereditary breast ovarian cancer syndrome. Also called: BRCA1- and BRCA2-Associated Hereditary Breast and Ovarian Cancer; Hereditary breast and ovarian cancer syndrome (HBOC); Hereditary breast and/or ovarian cancer syndrome; Hereditary breast and ovarian cancer syndrome; Hereditary breast and ovarian cancer; Breast and ovarian cancer. Identifiers: Orphanet 145, MedGen C0677776, MeSH D061325, MONDO:0003582. Disease mechanism: loss of function.

Submissions (3):

Ambry Genetics
Classification: Uncertain significance for Hereditary cancer-predisposing syndrome. Last evaluated: 2024-08-22. Review status: criteria provided, single submitter. Criteria: Ambry Variant Classification Scheme 2023. Collection method: clinical testing. Allele origin: germline.
Comment: The p.K1967N variant (also known as c.5901G>C), located in coding exon 10 of the BRCA2 gene, results from a G to C substitution at nucleotide position 5901. The lysine at codon 1967 is replaced by asparagine, an amino acid with similar properties. This amino acid position is conserved. In addition, this alteration is predicted to be tolerated by in silico analysis. Based on the available evidence, the clinical significance of this variant remains unclear.

Labcorp Genetics (formerly Invitae), Labcorp
Classification: Uncertain significance for Hereditary breast ovarian cancer syndrome. Last evaluated: 2023-08-31. Review status: criteria provided, single submitter. Criteria: Invitae Variant Classification Sherloc (09022015). Collection method: clinical testing. Allele origin: germline.
Comment: This variant is not present in population databases (gnomAD no frequency). This sequence change replaces lysine, which is basic and polar, with asparagine, which is neutral and polar, at codon 1967 of the BRCA2 protein (p.Lys1967Asn). This variant has not been reported in the literature in individuals affected with BRCA2-related conditions. ClinVar contains an entry for this variant (Variation ID: 1721162). Advanced modeling of protein sequence and biophysical properties (such as structural, functional, and spatial information, amino acid conservation, physicochemical variation, residue mobility, and thermodynamic stability) performed at Invitae indicates that this missense variant is not expected to disrupt BRCA2 protein function. In summary, the available evidence is currently insufficient to determine the role of this variant in disease. Therefore, it has been classified as a Variant of Uncertain Significance.

University of Washington Department of Laboratory Medicine, University of Washington
Classification: Likely benign for Hereditary cancer-predisposing syndrome. Last evaluated: 2023-03-23. Review status: criteria provided, single submitter. Criteria: Dines et al. (Genet Med. 2020). Collection method: curation. Allele origin: germline.
Comment: Missense variant in a coldspot region where missense variants are very unlikely to be pathogenic (PMID:31911673).

BRCA2 exon 11 coldspot. Reclassification based on statistical prior probability.

NM_000059.4(BRCA2):c.5901G>C (p.Lys1967Asn)

Gene: BRCA2 (BRCA2 DNA repair associated; plus strand). Cytogenetic location: 13q13.1.
Variant type: single nucleotide variant.
Coding change: c.5901G>C on transcript NM_000059.4 (MANE Select); coding-DNA position 5901, G replaced by C.
Protein change: p.Lys1967Asn; replaces lysine 1967 with asparagine.
Molecular consequence: missense variant.
Genome position (GRCh38, 1-based): chr13:32,340,256, G>C. VCF-style: chr13-32340256-G-C. GRCh37 (hg19) VCF-style: chr13-32914393-G-C.
Other names: c.5901G>C, p.Lys1967Asn (NM_001406719.1, NM_001406720.1); short protein forms K1967N.
Identifiers: ClinVar variation 1721162 (VCV001721162.8), dbSNP rs556893517, ClinGen allele CA387787495.